The following is an entry in ClinVar:

ClinVar aggregate classification (germline): Uncertain significance (1 of 4 stars; one submission).

Allele frequency attached by ClinVar (database versions not stated): gnomAD exomes 0.00001; gnomAD 0.00002; TOPMed 0.00003.
gnomAD v4.1: 14 of 1,613,544 alleles (0.00087%); highest among the groups gnomAD compares: African/African-American, 0.0067%; no homozygotes.

Submission:

Labcorp Genetics (formerly Invitae), Labcorp
Classification: Uncertain significance. Last evaluated: 2023-12-11. Review status: criteria provided, single submitter. Criteria: Invitae Variant Classification Sherloc (09022015). Collection method: clinical testing. Allele origin: germline.
Comment: This sequence change replaces valine, which is neutral and non-polar, with methionine, which is neutral and non-polar, at codon 691 of the MICAL1 protein (p.Val691Met). This variant is present in population databases (rs767924640, gnomAD 0.006%). This variant has not been reported in the literature in individuals affected with MICAL1-related conditions. ClinVar contains an entry for this variant (Variation ID: 1929298). An algorithm developed to predict the effect of missense changes on protein structure and function (PolyPhen-2) suggests that this variant is likely to be tolerated. In summary, the available evidence is currently insufficient to determine the role of this variant in disease. Therefore, it has been classified as a Variant of Uncertain Significance.

NM_022765.4(MICAL1):c.2014G>A (p.Val672Met)

Gene: MICAL1 (microtubule associated monooxygenase, calponin and LIM domain containing 1; minus strand). Cytogenetic location: 6q21.
Variant type: single nucleotide variant.
Coding change: c.2014G>A on transcript NM_022765.4 (MANE Select); coding-DNA position 2014, G replaced by A.
Protein change: p.Val672Met; replaces valine 672 with methionine.
Molecular consequence: missense variant.
Genome position (GRCh38, 1-based): chr6:109,447,413, C>T on the plus strand (G>A on the coding strand, the complement: MICAL1 is on the minus strand). VCF-style: chr6-109447413-C-T. GRCh37 (hg19) VCF-style: chr6-109768616-C-T.
Other names: c.1756G>A, p.Val586Met (NM_001159291.2); c.2071G>A, p.Val691Met (NM_001286613.2); short protein forms V586M, V691M, V672M.
Identifiers: ClinVar variation 1929298 (VCV001929298.5), dbSNP rs767924640, ClinGen allele CA145119005.